The following is an entry in ClinVar:

NM_001199799.2(ILDR1):c.820C>T (p.Gln274Ter)

Gene: ILDR1 (immunoglobulin like domain containing receptor 1; minus strand). Cytogenetic location: 3q13.33.
Variant type: single nucleotide variant.
Coding change: c.820C>T on transcript NM_001199799.2 (MANE Select); coding-DNA position 820, C replaced by T.
Protein change: p.Gln274Ter; replaces glutamine 274 with a stop codon.
Molecular consequence: nonsense.
Genome position (GRCh38, 1-based): chr3:121,993,929, G>A on the plus strand (C>T on the coding strand, the complement: ILDR1 is on the minus strand). VCF-style: chr3-121993929-G-A. GRCh37 (hg19) VCF-style: chr3-121712776-G-A.
Other names: NM_001199799.1:c.820C>T, p.(Gln274*); c.553C>T, p.Gln185Ter (NM_001199800.2); c.688C>T, p.Gln230Ter (NM_175924.4); short protein forms Q185*, Q230*, Q274*.
Identifiers: ClinVar variation 1299309 (VCV001299309.3), dbSNP rs2107644932, ClinGen allele CA354144484.
Genomic context (GRCh38, chr3:121,993,929, plus strand): 5'-GCAGTTCTTTCTCCAAATACTCCAGGACACCATTGGCGATGGGAGGCTGATTGGTGGTCT[G>A]GGTCATTGGCATCTGCGGGAGGCTGGACGGCAGGGACAAATCTGAATGGAAACAAGGACA-3'

ClinVar aggregate classification (germline): Pathogenic. Review status: criteria provided, multiple submitters, no conflicts (2 of 4 stars). 2 submissions from 2 submitters: Pathogenic (2). Last evaluated 2024-05-15.

Conditions:
Autosomal recessive nonsyndromic hearing loss 42. Identifiers: Orphanet 90636, MedGen C1864818, MONDO:0012326, OMIM 609646.

Allele frequency attached by ClinVar (database versions not stated): gnomAD exomes 0.00001.
gnomAD v4.1: 8 of 1,613,250 alleles (0.0005%); highest among the groups gnomAD compares: Middle Eastern, 0.016%; no homozygotes.

Submissions (2):

Department of Human Genetics, Hannover Medical School
Classification: Pathogenic for Autosomal recessive nonsyndromic hearing loss 42. Last evaluated: 2024-05-15. Review status: criteria provided, single submitter. Criteria: ACMG Guidelines, 2015. Collection method: clinical testing. Allele origin: germline. Affected: yes.

King Laboratory, University of Washington
Classification: Pathogenic for Autosomal recessive nonsyndromic hearing loss 42. Last evaluated: 2020-08-01. Review status: criteria provided, single submitter. Criteria: Abu Rayyan A et al. (Proc Natl Acad Sci U S A 2020). Collection method: research. Allele origin: germline. Affected: yes.
Comment: ILDR1 c.820C>T, p.Q274* is homozygous in 7 children with severe to profound pre-lingual hearing loss from 2 Palestinian families (Abu Rayyan 2020). The variant is absent from 1300 Palestinian controls and absent from public databases.